The following is an entry in ClinVar:

NM_024753.5(TTC21B):c.2441A>G (p.His814Arg)

Gene: TTC21B (tetratricopeptide repeat domain 21B; minus strand). Cytogenetic location: 2q24.3.
Variant type: single nucleotide variant.
Coding change: c.2441A>G on transcript NM_024753.5 (MANE Select); coding-DNA position 2441, A replaced by G.
Protein change: p.His814Arg; replaces histidine 814 with arginine.
Molecular consequence: missense variant.
Genome position (GRCh38, 1-based): chr2:165,911,347, T>C on the plus strand (A>G on the coding strand, the complement: TTC21B is on the minus strand). VCF-style: chr2-165911347-T-C. GRCh37 (hg19) VCF-style: chr2-166767857-T-C.
Other names: c.2441A>G (NM_024753.4, NM_024753.3); short protein forms H814R.
Identifiers: ClinVar variation 1450214 (VCV001450214.8), dbSNP rs965238984, ClinGen allele CA59795694.

ClinVar aggregate classification (germline): Uncertain significance. Review status: criteria provided, multiple submitters, no conflicts (2 of 4 stars). 4 submissions from 4 submitters: Uncertain significance (4). Last evaluated 2026-09-09.

Conditions:
TTC21B-related disorder. Also called: TTC21B-related disorders; TTC21B-related condition.
Nephronophthisis 12 (NPHP12). Identifiers: Orphanet 655, MedGen C3151186, MONDO:0013442, OMIM 613820.
Asphyxiating thoracic dystrophy 4 (SRTD4). Also called: SHORT-RIB THORACIC DYSPLASIA 4 WITH OR WITHOUT POLYDACTYLY; SHORT-RIB THORACIC DYSPLASIA 4. Identifiers: Orphanet 474, MedGen C3151185, MONDO:0013441, OMIM 613819.
Inborn genetic diseases. Identifiers: MedGen C0950123, MeSH D030342.
Nephronophthisis. Also called: Juvenile Nephronophthisis. Identifiers: Orphanet 655, MedGen C0687120, MONDO:0019005, HP:0000090.
Jeune thoracic dystrophy. Also called: Jeune syndrome; Infantile thoracic dystrophy; Thoracic pelvic phalangeal dystrophy; Jeune's syndrome; Chondroectodermal dysplasia-like syndrome; Short-rib thoracic dysplasia. Identifiers: Orphanet 474, MedGen C0265275, MONDO:0018770.

Allele frequency attached by ClinVar (database versions not stated): gnomAD exomes below 0.00001 and 0.00001; gnomAD 0.00001; TOPMed 0.00001.
gnomAD v4.1: 7 of 1,613,810 alleles (0.00043%); highest among the groups gnomAD compares: Admixed American, 0.005%; no homozygotes.

Submissions (4):

PreventionGenetics, part of Exact Sciences
Classification: Uncertain significance for TTC21B-related condition. Last evaluated: 2026-09-09. Review status: criteria provided, single submitter. Criteria: ACMG Guidelines, 2015. Collection method: clinical testing. Allele origin: germline.
Comment: The TTC21B c.2441A>G variant is predicted to result in the amino acid substitution p.His814Arg. To our knowledge, this variant has not been reported in the literature. This variant is reported in 0.0029% of alleles in individuals of Latino descent in gnomAD. At this time, the clinical significance of this variant is uncertain due to the absence of conclusive functional and genetic evidence.

Fulgent Genetics
Classification: Uncertain significance for Asphyxiating thoracic dystrophy 4; Nephronophthisis 12. Last evaluated: 2024-04-30. Review status: criteria provided, single submitter. Criteria: ACMG Guidelines, 2015. Collection method: clinical testing. Allele origin: germline.

Ambry Genetics
Classification: Uncertain significance for Inborn genetic diseases. Last evaluated: 2023-02-15. Review status: criteria provided, single submitter. Criteria: Ambry Variant Classification Scheme 2023. Collection method: clinical testing. Allele origin: germline.

Labcorp Genetics (formerly Invitae), Labcorp
Classification: Uncertain significance for Jeune thoracic dystrophy; Nephronophthisis. Last evaluated: 2022-06-27. Review status: criteria provided, single submitter. Criteria: Invitae Variant Classification Sherloc (09022015). Collection method: clinical testing. Allele origin: germline.
Comment: This variant has not been reported in the literature in individuals affected with TTC21B-related conditions. This variant is present in population databases (no rsID available, gnomAD 0.003%). This sequence change replaces histidine, which is basic and polar, with arginine, which is basic and polar, at codon 814 of the TTC21B protein (p.His814Arg). Algorithms developed to predict the effect of missense changes on protein structure and function (SIFT, PolyPhen-2, Align-GVGD) all suggest that this variant is likely to be tolerated. In summary, the available evidence is currently insufficient to determine the role of this variant in disease. Therefore, it has been classified as a Variant of Uncertain Significance.